The following is an entry in ClinVar:

ClinVar aggregate classification (germline): Uncertain significance. Review status: criteria provided, multiple submitters, no conflicts (2 of 4 stars). 2 submissions from 2 submitters: Uncertain significance (2). Last evaluated 2024-11-11.

Conditions:
Inborn genetic diseases. Identifiers: MedGen C0950123, MeSH D030342.
Epidermolysis bullosa simplex 5C, with pyloric atresia (EBS5C). Also called: PLEC-Related Epidermolysis Bullosa with Pyloric Atresia; Epidermolysis bullosa simplex with pyloric atresia; PLEC1-Related Epidermolysis Bullosa with Pyloric Atresia. Identifiers: Orphanet 158684, MedGen C2677349, MONDO:0012807, OMIM 612138.
Epidermolysis bullosa simplex with nail dystrophy (EBS5D). Identifiers: MedGen C4225309, MONDO:0014661, OMIM 616487.
Epidermolysis bullosa simplex 5B, with muscular dystrophy (EBS5B). Also called: Epidermolysis bullosa simplex with muscular dystrophy; EPIDERMOLYSIS BULLOSA SIMPLEX AND LIMB-GIRDLE MUSCULAR DYSTROPHY. Identifiers: Orphanet 257, MedGen C2931072, MONDO:0009181, OMIM 226670.
Autosomal recessive limb-girdle muscular dystrophy type 2Q (LGMDR17). Also called: MUSCULAR DYSTROPHY, LIMB-GIRDLE, AUTOSOMAL RECESSIVE 17. Identifiers: Orphanet 254361, MedGen C3150989, MONDO:0013390, OMIM 613723.
Epidermolysis bullosa simplex, Ogna type (EBS5A). Also called: Pidermolysis bullosa simplex 5A, Ogna type; EPIDERMOLYSIS BULLOSA SIMPLEX 5A, OGNA TYPE. Identifiers: Orphanet 79401, MedGen C0432317, MONDO:0007555, OMIM 131950.

Allele frequency attached by ClinVar (database versions not stated): gnomAD 0.00001; TOPMed 0.00001; gnomAD exomes 0.00002 and 0.00003; ExAC 0.00003.
gnomAD v4.1: 45 of 1,612,908 alleles (0.0028%); highest among the groups gnomAD compares: South Asian, 0.0033%; no homozygotes.

Submissions (2):

Labcorp Genetics (formerly Invitae), Labcorp
Classification: Uncertain significance for Autosomal recessive limb-girdle muscular dystrophy type 2Q; Epidermolysis bullosa simplex, Ogna type; Epidermolysis bullosa simplex with nail dystrophy; Epidermolysis bullosa simplex 5C, with pyloric atresia; Epidermolysis bullosa simplex 5B, with muscular dystrophy. Last evaluated: 2024-11-11. Review status: criteria provided, single submitter. Criteria: Invitae Variant Classification Sherloc (09022015). Collection method: clinical testing. Allele origin: germline.
Comment: This sequence change replaces glycine, which is neutral and non-polar, with serine, which is neutral and polar, at codon 4001 of the PLEC protein (p.Gly4001Ser). This variant is present in population databases (rs782086000, gnomAD 0.008%). This variant has not been reported in the literature in individuals affected with PLEC-related conditions. ClinVar contains an entry for this variant (Variation ID: 574770). Invitae Evidence Modeling of protein sequence and biophysical properties (such as structural, functional, and spatial information, amino acid conservation, physicochemical variation, residue mobility, and thermodynamic stability) indicates that this missense variant is not expected to disrupt PLEC protein function with a negative predictive value of 80%. In summary, the available evidence is currently insufficient to determine the role of this variant in disease. Therefore, it has been classified as a Variant of Uncertain Significance.

Ambry Genetics
Classification: Uncertain significance for Inborn genetic diseases. Last evaluated: 2022-12-01. Review status: criteria provided, single submitter. Criteria: Ambry Variant Classification Scheme 2023. Collection method: clinical testing. Allele origin: germline.

NM_201384.3(PLEC):c.11920G>A (p.Gly3974Ser)

Gene: PLEC (plectin; minus strand). Cytogenetic location: 8q24.3.
Variant type: single nucleotide variant.
Coding change: c.11920G>A on transcript NM_201384.3 (MANE Select); coding-DNA position 11920, G replaced by A.
Protein change: p.Gly3974Ser; replaces glycine 3974 with serine.
Molecular consequence: missense variant.
Genome position (GRCh38, 1-based): chr8:143,917,901, C>T on the plus strand (G>A on the coding strand, the complement: PLEC is on the minus strand). VCF-style: chr8-143917901-C-T. GRCh37 (hg19) VCF-style: chr8-144992069-C-T.
Other names: c.12001G>A, p.Gly4001Ser (NM_000445.5); c.11878G>A, p.Gly3960Ser (NM_201378.4); c.11854G>A, p.Gly3952Ser (NM_201379.3); c.12331G>A, p.Gly4111Ser (NM_201380.4); c.11824G>A, p.Gly3942Ser (NM_201381.3); c.11920G>A, p.Gly3974Ser (NM_201382.4); c.11932G>A, p.Gly3978Ser (NM_201383.3); c.12001G>A (NM_000445.3); short protein forms G3974S, G4001S, G3942S, G3952S, G3960S, G4111S, G3978S.
Identifiers: ClinVar variation 574770 (VCV000574770.10), dbSNP rs782086000, ClinGen allele CA4924217.